The following is an entry in ClinVar:

NM_000059.4(BRCA2):c.4852G>A (p.Asp1618Asn)

Gene: BRCA2 (BRCA2 DNA repair associated; plus strand). Cytogenetic location: 13q13.1.
Variant type: single nucleotide variant.
Coding change: c.4852G>A on transcript NM_000059.4 (MANE Select); coding-DNA position 4852, G replaced by A.
Protein change: p.Asp1618Asn; replaces aspartic acid 1618 with asparagine.
Molecular consequence: missense variant.
Genome position (GRCh38, 1-based): chr13:32,339,207, G>A. VCF-style: chr13-32339207-G-A. GRCh37 (hg19) VCF-style: chr13-32913344-G-A.
Other names: short protein forms D1618N.
Identifiers: ClinVar variation 849534 (VCV000849534.12), dbSNP rs2072514226, ClinGen allele CA387783390.
Genomic context (GRCh38, chr13:32,339,207, plus strand): 5'-CTCAATAATGATAAAAACCTTGTTTCTATTGAGACTGTGGTGCCACCTAAGCTCTTAAGT[G>A]ATAATTTATGTAGACAAACTGAAAATCTCAAAACATCAAAAAGTATCTTTTTGAAAGTTA-3'
Protein context (NP_000050.3, residues 1608-1628): ETVVPPKLLS[Asp1618Asn]NLCRQTENLK

ClinVar aggregate classification (germline): Conflicting classifications of pathogenicity. Review status: criteria provided, conflicting classifications (1 of 4 stars). 4 submissions from 4 submitters: Uncertain significance (3); Likely benign (1). Last evaluated 2023-03-23.

Conditions:
Hereditary breast ovarian cancer syndrome. Also called: Hereditary breast and ovarian cancer syndrome; Breast and ovarian cancer; Hereditary breast and/or ovarian cancer syndrome; Hereditary breast and ovarian cancer; BRCA1- and BRCA2-Associated Hereditary Breast and Ovarian Cancer; Hereditary breast and ovarian cancer syndrome (HBOC). Identifiers: Orphanet 145, MedGen C0677776, MeSH D061325, MONDO:0003582. Disease mechanism: loss of function.
Hereditary cancer-predisposing syndrome. Also called: Tumor predisposition; Neoplastic Syndromes, Hereditary; Hereditary neoplastic syndrome; Hereditary Cancer Syndrome. Identifiers: Orphanet 140162, MedGen C0027672, MeSH D009386, MONDO:0015356.

Allele frequency attached by ClinVar (database versions not stated): gnomAD exomes below 0.00001.
gnomAD v4.1: 2 of 1,613,336 alleles (0.00012%); highest among the groups gnomAD compares: East Asian, 0.0022%; no homozygotes.

Submissions (4):

University of Washington Department of Laboratory Medicine, University of Washington
Classification: Likely benign for Hereditary cancer-predisposing syndrome. Last evaluated: 2023-03-23. Review status: criteria provided, single submitter. Criteria: Dines et al. (Genet Med. 2020). Collection method: curation. Allele origin: germline.
Comment: Missense variant in a coldspot region where missense variants are very unlikely to be pathogenic (PMID:31911673).

BRCA2 exon 11 coldspot. Reclassification based on statistical prior probability.

Ambry Genetics
Classification: Uncertain significance for Hereditary cancer-predisposing syndrome. Last evaluated: 2023-02-09. Review status: criteria provided, single submitter. Criteria: Ambry Variant Classification Scheme 2023. Collection method: clinical testing. Allele origin: germline.
Comment: The p.D1618N variant (also known as c.4852G>A), located in coding exon 10 of the BRCA2 gene, results from a G to A substitution at nucleotide position 4852. The aspartic acid at codon 1618 is replaced by asparagine, an amino acid with highly similar properties. This amino acid position is not well conserved in available vertebrate species. In addition, this alteration is predicted to be tolerated by in silico analysis. Since supporting evidence is limited at this time, the clinical significance of this alteration remains unclear.

Labcorp Genetics (formerly Invitae), Labcorp
Classification: Uncertain significance for Hereditary breast ovarian cancer syndrome. Last evaluated: 2021-12-13. Review status: criteria provided, single submitter. Criteria: Invitae Variant Classification Sherloc (09022015). Collection method: clinical testing. Allele origin: germline.
Comment: In summary, the available evidence is currently insufficient to determine the role of this variant in disease. Therefore, it has been classified as a Variant of Uncertain Significance. Advanced modeling of protein sequence and biophysical properties (such as structural, functional, and spatial information, amino acid conservation, physicochemical variation, residue mobility, and thermodynamic stability) performed at Invitae indicates that this missense variant is not expected to disrupt BRCA2 protein function. ClinVar contains an entry for this variant (Variation ID: 849534). This variant has not been reported in the literature in individuals affected with BRCA2-related conditions. This variant is not present in population databases (gnomAD no frequency). This sequence change replaces aspartic acid, which is acidic and polar, with asparagine, which is neutral and polar, at codon 1618 of the BRCA2 protein (p.Asp1618Asn).

Quest Diagnostics Nichols Institute San Juan Capistrano
Classification: Uncertain significance. Last evaluated: 2021-02-26. Review status: criteria provided, single submitter. Criteria: Quest Diagnostics criteria. Collection method: clinical testing. Allele origin: unknown.